The following is an entry in ClinVar:

ClinVar aggregate classification (germline): Likely benign (1 of 4 stars; one submission).

Allele frequency attached by ClinVar (database versions not stated): TOPMed 0.00002 and 0.00004.
gnomAD v4.1: 3 of 1,504,892 alleles (0.0002%); highest among the groups gnomAD compares: African/African-American, 0.0042%; no homozygotes.

Submission:

GeneDx
Classification: Likely benign. Last evaluated: 2016-03-22. Review status: criteria provided, single submitter. Criteria: GeneDx Variant Classification (06012015). Collection method: clinical testing. Allele origin: germline. Affected: yes.
Comment: This variant is considered likely benign or benign based on one or more of the following criteria: it is a conservative change, it occurs at a poorly conserved position in the protein, it is predicted to be benign by multiple in silico algorithms, and/or has population frequency not consistent with disease.

NM_006904.7(PRKDC):c.3848-14A>T

Gene: PRKDC (protein kinase, DNA-activated, catalytic subunit; minus strand). Cytogenetic location: 8q11.21.
Variant type: single nucleotide variant.
Coding change: c.3848-14A>T on transcript NM_006904.7 (MANE Select); 14 bases into the intron before coding-DNA position 3848, A replaced by T.
Molecular consequence: intron variant.
Genome position (GRCh38, 1-based): chr8:47,890,494, T>A on the plus strand (A>T on the coding strand, the complement: PRKDC is on the minus strand). VCF-style: chr8-47890494-T-A. GRCh37 (hg19) VCF-style: chr8-48803055-T-A.
Other names: c.3848-14A>T (NM_001081640.2).
Identifiers: ClinVar variation 384913 (VCV000384913.1), dbSNP rs749113047, ClinGen allele CA16605229.